The following is an entry in ClinVar:

NM_006017.3(PROM1):c.1441G>T (p.Val481Phe)

Gene: PROM1 (prominin 1; minus strand). Cytogenetic location: 4p15.32.
Variant type: single nucleotide variant.
Coding change: c.1441G>T on transcript NM_006017.3 (MANE Select); coding-DNA position 1441, G replaced by T.
Protein change: p.Val481Phe; replaces valine 481 with phenylalanine.
Molecular consequence: missense variant.
Genome position (GRCh38, 1-based): chr4:16,006,551, C>A on the plus strand (G>T on the coding strand, the complement: PROM1 is on the minus strand). VCF-style: chr4-16006551-C-A. GRCh37 (hg19) VCF-style: chr4-16008174-C-A.
Other names: c.1414G>T, p.Val472Phe (NM_001145847.2, NM_001145848.2, NM_001145851.2 and 4 more transcripts); c.1441G>T, p.Val481Phe (NM_001145849.2, NM_001145850.2); short protein forms V481F, V472F.
Identifiers: ClinVar variation 1396220 (VCV001396220.6), dbSNP rs982634579, ClinGen allele CA356435085.

ClinVar aggregate classification (germline): Uncertain significance (1 of 4 stars; one submission).

gnomAD v4.1: 2 of 1,592,788 alleles (0.00013%); highest among the groups gnomAD compares: Non-Finnish European, 0.00017%; no homozygotes.

Submission:

Labcorp Genetics (formerly Invitae), Labcorp
Classification: Uncertain significance. Last evaluated: 2022-04-24. Review status: criteria provided, single submitter. Criteria: Invitae Variant Classification Sherloc (09022015). Collection method: clinical testing. Allele origin: germline.
Comment: This sequence change replaces valine, which is neutral and non-polar, with phenylalanine, which is neutral and non-polar, at codon 481 of the PROM1 protein (p.Val481Phe). This variant is not present in population databases (gnomAD no frequency). This variant has not been reported in the literature in individuals affected with PROM1-related conditions. Algorithms developed to predict the effect of missense changes on protein structure and function are either unavailable or do not agree on the potential impact of this missense change (SIFT: "Tolerated"; PolyPhen-2: "Possibly Damaging"; Align-GVGD: "Class C0"). In summary, the available evidence is currently insufficient to determine the role of this variant in disease. Therefore, it has been classified as a Variant of Uncertain Significance.